The following is an entry in ClinVar:

ClinVar aggregate classification (germline): Uncertain significance (1 of 4 stars; one submission).

gnomAD v4.1: 9 of 1,572,452 alleles (0.00057%); highest among the groups gnomAD compares: African/African-American, 0.004%; no homozygotes.

Submission:

Labcorp Genetics (formerly Invitae), Labcorp
Classification: Uncertain significance. Last evaluated: 2024-10-02. Review status: criteria provided, single submitter. Criteria: Invitae Variant Classification Sherloc (09022015). Collection method: clinical testing. Allele origin: germline.
Comment: This sequence change replaces serine, which is neutral and polar, with leucine, which is neutral and non-polar, at codon 131 of the TNFRSF6B protein (p.Ser131Leu). The frequency data for this variant in the population databases is considered unreliable, as metrics indicate poor data quality at this position in the gnomAD database. This variant has not been reported in the literature in individuals affected with TNFRSF6B-related conditions. An algorithm developed to predict the effect of missense changes on protein structure and function outputs the following: PolyPhen-2: "Benign". The leucine amino acid residue is found in multiple mammalian species, which suggests that this missense change does not adversely affect protein function. In summary, the available evidence is currently insufficient to determine the role of this variant in disease. Therefore, it has been classified as a Variant of Uncertain Significance.

NM_003823.4(TNFRSF6B):c.392C>T (p.Ser131Leu)

Genes: RTEL1-TNFRSF6B (RTEL1-TNFRSF6B readthrough (NMD candidate); plus strand), TNFRSF6B (TNF receptor superfamily member 6b; plus strand). Cytogenetic location: 20q13.33.
Variant type: single nucleotide variant.
Coding change: c.392C>T on transcript NM_003823.4 (MANE Select); coding-DNA position 392, C replaced by T.
Protein change: p.Ser131Leu; replaces serine 131 with leucine.
Molecular consequence: missense variant. On other transcripts: non-coding transcript variant (1).
Genome position (GRCh38, 1-based): chr20:63,697,159, C>T. VCF-style: chr20-63697159-C-T. GRCh37 (hg19) VCF-style: chr20-62328512-C-T.
Other names: short protein forms S131L.
Identifiers: ClinVar variation 2960320 (VCV002960320.3), dbSNP rs1011672485, ClinGen allele CA317534501.